The following is an entry in ClinVar:

NM_003906.5(MCM3AP):c.3710A>T (p.Gln1237Leu)

Gene: MCM3AP (minichromosome maintenance complex component 3 associated protein; minus strand). Cytogenetic location: 21q22.3.
Variant type: single nucleotide variant.
Coding change: c.3710A>T on transcript NM_003906.5 (MANE Select); coding-DNA position 3710, A replaced by T.
Protein change: p.Gln1237Leu; replaces glutamine 1237 with leucine.
Molecular consequence: missense variant.
Genome position (GRCh38, 1-based): chr21:46,258,963, T>A on the plus strand (A>T on the coding strand, the complement: MCM3AP is on the minus strand). VCF-style: chr21-46258963-T-A. GRCh37 (hg19) VCF-style: chr21-47678877-T-A.
Other names: short protein forms Q1237L.
Identifiers: ClinVar variation 1401430 (VCV001401430.6), dbSNP rs368273492, ClinGen allele CA10076413.
Genomic context (GRCh38, chr21:46,258,963, plus strand): 5'-GTGTGTGGATTTTGCCTGTAGGAACACAGGACTCACCGCTGTAGATACTTGCAGAAGCAC[T>A]GAAGCTCCTGGAGGGTCTCCTTTGCAGTCTGGAAGATTTCCTCCACGAGAAACAAGTCCA-3'
Protein context (NP_003897.2, residues 1227-1247): QTAKETLQEL[Gln1237Leu]CFCKYLQRWR

ClinVar aggregate classification (germline): Uncertain significance (1 of 4 stars; one submission).

Allele frequency attached by ClinVar (database versions not stated): gnomAD exomes below 0.00001 and 0.00001; ExAC 0.00001; gnomAD 0.00003; TOPMed 0.00005; ESP Exome Variant Server 0.00008.
gnomAD v4.1: 9 of 1,614,030 alleles (0.00056%); highest among the groups gnomAD compares: African/African-American, 0.012%; no homozygotes.

Submission:

Labcorp Genetics (formerly Invitae), Labcorp
Classification: Uncertain significance. Last evaluated: 2022-08-22. Review status: criteria provided, single submitter. Criteria: Invitae Variant Classification Sherloc (09022015). Collection method: clinical testing. Allele origin: germline.
Comment: This sequence change replaces glutamine, which is neutral and polar, with leucine, which is neutral and non-polar, at codon 1237 of the MCM3AP protein (p.Gln1237Leu). This variant is present in population databases (rs368273492, gnomAD 0.01%). This variant has not been reported in the literature in individuals affected with MCM3AP-related conditions. ClinVar contains an entry for this variant (Variation ID: 1401430). Algorithms developed to predict the effect of missense changes on protein structure and function are either unavailable or do not agree on the potential impact of this missense change (SIFT: "Deleterious"; PolyPhen-2: "Benign"; Align-GVGD: "Class C25"). In summary, the available evidence is currently insufficient to determine the role of this variant in disease. Therefore, it has been classified as a Variant of Uncertain Significance.